The following is an entry in ClinVar:

NC_012920.1(MT-TS1):m.7469C>T

Gene: MT-TS1 (mitochondrially encoded tRNA serine 1 (UCN); minus strand).
Variant type: single nucleotide variant.
Genome position: chrM-7469-C-T.
Identifiers: ClinVar variation 690027 (VCV000690027.1), dbSNP rs1603220974, ClinGen allele CA913177131.

ClinVar aggregate classification (germline): Benign (1 of 4 stars; one submission).

Conditions:
MELAS syndrome (MELAS). Also called: Juvenile myopathy, encephalopathy, lactic acidosis, stroke. Identifiers: Orphanet 550, MedGen C0162671, MONDO:0010789, OMIM 540000.

Submission:

Wong Mito Lab, Molecular and Human Genetics, Baylor College of Medicine
Classification: Benign for MELAS syndrome. Last evaluated: 2019-07-12. Review status: criteria provided, single submitter. Criteria: Modified ACMG Guidelines (Unpublished). Collection method: clinical testing. Allele origin: germline.
Comment: The NC_012920.1:m.7469C>T variant in MT-TS1 gene is interpreted to be a Benign variant based on the modified ACMG guidelines (unpublished). This variant meets the following evidence codes reported in the guidelines: BS1, BS2, BP4

Literature cited by the submitters: PubMed 31965079.